The following is an entry in ClinVar:

ClinVar aggregate classification (germline): Uncertain significance (1 of 4 stars; one submission).

Conditions:
Mitochondrial DNA depletion syndrome, encephalomyopathic form with methylmalonic aciduria (MTDPS5). Also called: MITOCHONDRIAL DNA DEPLETION SYNDROME, ENCEPHALOMYOPATHIC FORM, WITH OR WITHOUT METHYLMALONIC ACIDURIA, AUTOSOMAL RECESSIVE, SUCLA2-RELATED; Mitochondrial DNA depletion syndrome 5 (encephalomyopathic with or without methylmalonic aciduria); Mitochondrial encephalomyopathy aminoacidopathy; SUCLA2-Related Mitochondrial DNA Depletion Syndrome, Encephalomyopathic Form with Methylmalonic Aciduria. Identifiers: Orphanet 1933, MedGen C5980207, MONDO:0012791, OMIM 612073.

Submission:

Labcorp Genetics (formerly Invitae), Labcorp
Classification: Uncertain significance for Mitochondrial DNA depletion syndrome, encephalomyopathic form with methylmalonic aciduria. Last evaluated: 2025-06-23. Review status: criteria provided, single submitter. Criteria: Invitae Variant Classification Sherloc (09022015). Collection method: clinical testing. Allele origin: germline.
Comment: This sequence change replaces asparagine, which is neutral and polar, with lysine, which is basic and polar, at codon 276 of the SUCLA2 protein (p.Asn276Lys). This variant is not present in population databases (gnomAD no frequency). This variant has not been reported in the literature in individuals affected with SUCLA2-related conditions. ClinVar contains an entry for this variant (Variation ID: 2012278). Invitae Evidence Modeling of protein sequence and biophysical properties (such as structural, functional, and spatial information, amino acid conservation, physicochemical variation, residue mobility, and thermodynamic stability) indicates that this missense variant is not expected to disrupt SUCLA2 protein function with a negative predictive value of 80%. In summary, the available evidence is currently insufficient to determine the role of this variant in disease. Therefore, it has been classified as a Variant of Uncertain Significance.

NM_003850.3(SUCLA2):c.828T>G (p.Asn276Lys)

Gene: SUCLA2 (succinate-CoA ligase ADP-forming subunit beta; minus strand). Cytogenetic location: 13q14.2.
Variant type: single nucleotide variant.
Coding change: c.828T>G on transcript NM_003850.3 (MANE Select); coding-DNA position 828, T replaced by G.
Protein change: p.Asn276Lys; replaces asparagine 276 with lysine.
Molecular consequence: missense variant.
Genome position (GRCh38, 1-based): chr13:47,954,532, A>C on the plus strand (T>G on the coding strand, the complement: SUCLA2 is on the minus strand). VCF-style: chr13-47954532-A-C. GRCh37 (hg19) VCF-style: chr13-48528667-A-C.
Other names: short protein forms N276K.
Identifiers: ClinVar variation 2012278 (VCV002012278.4), dbSNP rs2541673715, ClinGen allele CA388145986.